The following is an entry in ClinVar:

ClinVar aggregate classification (germline): Uncertain significance (1 of 4 stars; one submission).

Conditions:
SDCCAG8-related disorder. Also called: SDCCAG8-related condition; SDCCAG8-Related Disorders.

gnomAD v4.1: 30 of 1,613,670 alleles (0.0019%); highest among the groups gnomAD compares: Non-Finnish European, 0.0025%; no homozygotes.

Submission:

PreventionGenetics, part of Exact Sciences
Classification: Uncertain significance for SDCCAG8-related condition. Last evaluated: 2026-09-02. Review status: criteria provided, single submitter. Criteria: ACMG Guidelines, 2015. Collection method: clinical testing. Allele origin: germline.
Comment: The SDCCAG8 c.1439C>T variant is predicted to result in the amino acid substitution p.Ala480Val. To our knowledge, this variant has not been reported in the literature. This variant is reported in 0.0018% of alleles in individuals of European (Non-Finnish) descent in gnomAD. At this time, the clinical significance of this variant is uncertain due to the absence of conclusive functional and genetic evidence.

NM_006642.5(SDCCAG8):c.1439C>T (p.Ala480Val)

Gene: SDCCAG8 (SHH signaling and ciliogenesis regulator SDCCAG8; plus strand). Cytogenetic location: 1q43.
Variant type: single nucleotide variant.
Coding change: c.1439C>T on transcript NM_006642.5 (MANE Select); coding-DNA position 1439, C replaced by T.
Protein change: p.Ala480Val; replaces alanine 480 with valine.
Molecular consequence: missense variant.
Genome position (GRCh38, 1-based): chr1:243,344,297, C>T. VCF-style: chr1-243344297-C-T. GRCh37 (hg19) VCF-style: chr1-243507599-C-T.
Other names: c.536C>T, p.Ala179Val (NM_001350246.2, NM_001350247.2, NM_001350251.2); c.1535C>T, p.Ala512Val (NM_001350248.2); c.1145C>T, p.Ala382Val (NM_001350249.2); short protein forms A512V, A179V, A382V, A480V.
Identifiers: ClinVar variation 4986237 (VCV004986237.1).